The following is an entry in ClinVar:

ClinVar aggregate classification (germline): Uncertain significance (1 of 4 stars; one submission).

Conditions:
Cardiovascular phenotype. Identifiers: MedGen CN230736.

Submission:

Ambry Genetics
Classification: Uncertain significance for Cardiovascular phenotype. Last evaluated: 2025-07-30. Review status: criteria provided, single submitter. Criteria: Ambry Variant Classification Scheme 2023. Collection method: clinical testing. Allele origin: germline.
Comment: The p.V3489A variant (also known as c.10466T>C), located in coding exon 16 of the ALMS1 gene, results from a T to C substitution at nucleotide position 10466. The valine at codon 3489 is replaced by alanine, an amino acid with similar properties. This amino acid position is highly conserved in available vertebrate species. In addition, this alteration is predicted to be deleterious by in silico analysis. Based on the available evidence, the clinical significance of this variant remains unclear.

NM_001378454.1(ALMS1):c.10463T>C (p.Val3488Ala)

Gene: ALMS1 (ALMS1 centrosome and basal body associated protein; plus strand). Cytogenetic location: 2p13.1.
Variant type: single nucleotide variant.
Coding change: c.10463T>C on transcript NM_001378454.1 (MANE Select); coding-DNA position 10463, T replaced by C.
Protein change: p.Val3488Ala; replaces valine 3488 with alanine.
Molecular consequence: missense variant.
Genome position (GRCh38, 1-based): chr2:73,572,340, T>C. VCF-style: chr2-73572340-T-C. GRCh37 (hg19) VCF-style: chr2-73799467-T-C.
Other names: c.10466T>C, p.Val3489Ala (NM_015120.4); short protein forms V3488A, V3489A.
Identifiers: ClinVar variation 4275063 (VCV004275063.1).